The following is an entry in ClinVar:

NM_000458.4(HNF1B):c.610T>C (p.Phe204Leu)

Genes: HNF1B (HNF1 homeobox B; minus strand), LOC126862549 (BRD4-independent group 4 enhancer GRCh37_chr17:36093401-36094600; plus strand). Cytogenetic location: 17q12.
Variant type: single nucleotide variant.
Coding change: c.610T>C on transcript NM_000458.4 (MANE Select); coding-DNA position 610, T replaced by C.
Protein change: p.Phe204Leu; replaces phenylalanine 204 with leucine.
Molecular consequence: missense variant. On other transcripts: intron variant (2).
Genome position (GRCh38, 1-based): chr17:37,733,756, A>G on the plus strand (T>C on the coding strand, the complement: HNF1B is on the minus strand). VCF-style: chr17-37733756-A-G. GRCh37 (hg19) VCF-style: chr17-36093749-A-G.
Other names: c.610T>C, p.Phe204Leu (NM_001411100.1); c.545-13T>C (NM_001304286.2, NM_001165923.4); short protein forms F204L.
Identifiers: ClinVar variation 4690862 (VCV004690862.1).

ClinVar aggregate classification (germline): Uncertain significance (1 of 4 stars; one submission).

Submission:

Labcorp Genetics (formerly Invitae), Labcorp
Classification: Uncertain significance. Last evaluated: 2025-07-01. Review status: criteria provided, single submitter. Criteria: Invitae Variant Classification Sherloc (09022015). Collection method: clinical testing. Allele origin: germline.
Comment: This sequence change replaces phenylalanine, which is neutral and non-polar, with leucine, which is neutral and non-polar, at codon 204 of the HNF1B protein (p.Phe204Leu). This variant is not present in population databases (gnomAD no frequency). This variant has not been reported in the literature in individuals affected with HNF1B-related conditions. Invitae Evidence Modeling of protein sequence and biophysical properties (such as structural, functional, and spatial information, amino acid conservation, physicochemical variation, residue mobility, and thermodynamic stability) indicates that this missense variant is expected to disrupt HNF1B protein function with a positive predictive value of 95%. In summary, the available evidence is currently insufficient to determine the role of this variant in disease. Therefore, it has been classified as a Variant of Uncertain Significance.